The following is an entry in ClinVar:

NM_006361.6(HOXB13):c.304C>T (p.Gln102Ter)

Gene: HOXB13 (homeobox B13; minus strand). Cytogenetic location: 17q21.32.
Variant type: single nucleotide variant.
Coding change: c.304C>T on transcript NM_006361.6 (MANE Select); coding-DNA position 304, C replaced by T.
Protein change: p.Gln102Ter; replaces glutamine 102 with a stop codon.
Molecular consequence: nonsense.
Genome position (GRCh38, 1-based): chr17:48,728,290, G>A on the plus strand (C>T on the coding strand, the complement: HOXB13 is on the minus strand). VCF-style: chr17-48728290-G-A. GRCh37 (hg19) VCF-style: chr17-46805652-G-A.
Other names: short protein forms Q102*.
Identifiers: ClinVar variation 3858428 (VCV003858428.2).

ClinVar aggregate classification (germline): Uncertain significance. Review status: criteria provided, multiple submitters, no conflicts (2 of 4 stars). 2 submissions from 2 submitters: Uncertain significance (2). Last evaluated 2025-04-23.

Conditions:
Hereditary cancer-predisposing syndrome. Also called: Hereditary neoplastic syndrome; Neoplastic Syndromes, Hereditary; Tumor predisposition; Hereditary Cancer Syndrome. Identifiers: Orphanet 140162, MedGen C0027672, MeSH D009386, MONDO:0015356.

Submissions (2):

Labcorp Genetics (formerly Invitae), Labcorp
Classification: Uncertain significance. Last evaluated: 2025-04-23. Review status: criteria provided, single submitter. Criteria: Invitae Variant Classification Sherloc (09022015). Collection method: clinical testing. Allele origin: germline.
Comment: This sequence change creates a premature translational stop signal (p.Gln102*) in the HOXB13 gene. It is expected to result in an absent or disrupted protein product. However, the current clinical and genetic evidence is not sufficient to establish whether loss-of-function variants in HOXB13 cause disease. This variant is not present in population databases (gnomAD no frequency). This variant has not been reported in the literature in individuals affected with HOXB13-related conditions. In summary, the available evidence is currently insufficient to determine the role of this variant in disease. Therefore, it has been classified as a Variant of Uncertain Significance.

Ambry Genetics
Classification: Uncertain significance for Hereditary cancer-predisposing syndrome. Last evaluated: 2025-01-21. Review status: criteria provided, single submitter. Criteria: Ambry Variant Classification Scheme 2023. Collection method: clinical testing. Allele origin: germline.
Comment: The p.Q102* variant (also known as c.304C>T), located in coding exon 1 of the HOXB13 gene, results from a C to T substitution at nucleotide position 304. This changes the amino acid from a glutamine to a stop codon within coding exon 1. This alteration is expected to result in protein truncation or nonsense-mediated mRNA decay. However, loss of function of HOXB13 has not been established as a mechanism of disease. Based on the available evidence, the clinical significance of this alteration remains unclear.